The following is an entry in ClinVar:

ClinVar aggregate classification (germline): Conflicting classifications of pathogenicity. Review status: criteria provided, conflicting classifications (1 of 4 stars). 11 submissions from 11 submitters: Uncertain significance (1); Benign (2); Likely benign (7). 1 of the submissions does not count toward it. Last evaluated 2025-12-06.

Conditions:
MYH11-related disorder. Also called: MYH11-related condition.
Familial thoracic aortic aneurysm and aortic dissection (TAAD). Also called: Thoracic aortic aneurysms and dissections. Identifiers: Orphanet 91387, MedGen C4707243, MONDO:0019625.
Aortic aneurysm, familial thoracic 4 (AAT4). Also called: AORTIC ANEURYSM/AORTIC DISSECTION AND PATENT DUCTUS ARTERIOSUS. Identifiers: MedGen C1851504, MONDO:0007568, OMIM 132900.

Allele frequency attached by ClinVar (database versions not stated): ESP Exome Variant Server 0.00008; 1000 Genomes Project 30x 0.00016; gnomAD 0.00016; 1000 Genomes Project 0.00020; TOPMed 0.00025.
gnomAD v4.1: 60 of 1,614,186 alleles (0.0037%); highest among the groups gnomAD compares: African/African-American, 0.051%; no homozygotes.

Submissions (11):

Labcorp Genetics (formerly Invitae), Labcorp
Classification: Likely benign for Aortic aneurysm, familial thoracic 4. Last evaluated: 2025-12-06. Review status: criteria provided, single submitter. Criteria: Invitae Variant Classification Sherloc (09022015). Collection method: clinical testing. Allele origin: germline.

Mayo Clinic Laboratories, Mayo Clinic
Classification: Likely benign. Last evaluated: 2025-10-24. Review status: criteria provided, single submitter. Criteria: ACMG Guidelines, 2015. Collection method: clinical testing. Allele origin: germline. Observed: 1 variant allele.
Comment: BP4, BP7

CeGaT Center for Human Genetics Tuebingen
Classification: Likely benign. Last evaluated: 2025-10-01. Review status: criteria provided, single submitter. Criteria: CeGaT Center For Human Genetics Tuebingen Variant Classification Criteria Version 2. Collection method: clinical testing. Allele origin: germline. Affected: yes. Observed: 1 variant allele.
Comment: MYH11: BP4, BP7

Blueprint Genetics
Classification: Likely benign. Last evaluated: 2024-01-26. Review status: criteria provided, single submitter. Criteria: ACMG Guidelines, 2015. Collection method: clinical testing. Allele origin: germline.

All of Us Research Program, National Institutes of Health
Classification: Likely benign for Familial thoracic aortic aneurysm and aortic dissection. Last evaluated: 2023-12-13. Review status: criteria provided, single submitter. Criteria: ACMG Guidelines, 2015. Collection method: clinical testing. Allele origin: germline. Inheritance: Autosomal dominant inheritance. Observed: 10 variant alleles, 10 heterozygotes.
Comment: This study involves interpretation of variants in research participants for the purpose of population health screening. Participant phenotype was not available at the time of variant classification. Additional details can be found in publication PMID: 35346344, PMCID: PMC8962531

Color Diagnostics, LLC DBA Color Health
Classification: Likely benign for Familial thoracic aortic aneurysm and aortic dissection. Last evaluated: 2019-04-28. Review status: criteria provided, single submitter. Criteria: ACMG Guidelines, 2015. Collection method: clinical testing. Allele origin: germline.

Women's Health and Genetics/Laboratory Corporation of America, LabCorp
Classification: Benign. Last evaluated: 2018-07-30. Review status: criteria provided, single submitter. Criteria: LabCorp Variant Classification Summary - May 2015. Collection method: clinical testing. Allele origin: germline.
Comment: Variant summary: MYH11 c.3330C>T alters a non-conserved nucleotide resulting in a synonymous change. 5/5 computational tools predict no significant impact on normal splicing. However, these predictions have yet to be confirmed by functional studies. The variant allele was found at a frequency of 6.1e-05 in 277222 control chromosomes. The observed variant frequency is approximately 50 fold of the estimated maximal expected allele frequency for a pathogenic variant in MYH11 causing Aortopathy phenotype (1.3e-06), strongly suggesting that the variant is benign. To our knowledge, no occurrence of c.3330C>T in individuals affected with Aortopathy and no experimental evidence demonstrating its impact on protein function have been reported. No clinical diagnostic laboratories have submitted clinical-significance assessments for this variant to ClinVar after 2014. Based on the evidence outlined above, the variant was classified as benign.

Illumina Laboratory Services, Illumina
Classification: Uncertain significance for Aortic aneurysm, familial thoracic 4. Last evaluated: 2018-01-12. Review status: criteria provided, single submitter. Criteria: ICSL Variant Classification Criteria 13 December 2019. Collection method: clinical testing. Allele origin: germline.

Ambry Genetics
Classification: Likely benign for Familial thoracic aortic aneurysm and aortic dissection. Last evaluated: 2016-06-08. Review status: criteria provided, single submitter. Criteria: Ambry Variant Classification Scheme 2023. Collection method: clinical testing. Allele origin: germline.

GeneDx
Classification: Benign. Last evaluated: 2015-03-26. Review status: criteria provided, single submitter. Criteria: GeneDx Variant Classification (06012015). Collection method: clinical testing. Allele origin: germline. Affected: yes.
Comment: This variant is considered likely benign or benign based on one or more of the following criteria: it is a conservative change, it occurs at a poorly conserved position in the protein, it is predicted to be benign by multiple in silico algorithms, and/or has population frequency not consistent with disease.

PreventionGenetics, part of Exact Sciences
Classification: Likely benign for MYH11-related condition. Last evaluated: 2022-08-22. Review status: no assertion criteria provided. Collection method: clinical testing. Allele origin: germline. Not counted in ClinVar's aggregate classification.
Comment: This variant is classified as likely benign based on ACMG/AMP sequence variant interpretation guidelines (Richards et al. 2015 PMID: 25741868, with internal and published modifications).

NM_002474.3(MYH11):c.3309C>T (p.Ile1103=)

Gene: MYH11 (myosin heavy chain 11; minus strand). Cytogenetic location: 16p13.11.
Variant type: single nucleotide variant.
Coding change: c.3309C>T on transcript NM_002474.3 (MANE Select); coding-DNA position 3309, C replaced by T.
Protein change: p.Ile1103=; no amino-acid change (isoleucine 1103 retained).
Molecular consequence: synonymous variant.
Genome position (GRCh38, 1-based): chr16:15,735,563, G>A on the plus strand (C>T on the coding strand, the complement: MYH11 is on the minus strand). VCF-style: chr16-15735563-G-A. GRCh37 (hg19) VCF-style: chr16-15829420-G-A.
Other names: p.Ile1110=; c.3330C>T, p.Ile1110= (NM_001040113.2, NM_001040114.2); c.3309C>T, p.Ile1103= (NM_022844.3).
Identifiers: ClinVar variation 378203 (VCV000378203.33), dbSNP rs370854451, ClinGen allele CA7922017.